The following is an entry in ClinVar:

NM_001354604.2(MITF):c.1195del (p.Ala399fs)

Gene: MITF (melanocyte inducing transcription factor; plus strand). Cytogenetic location: 3p13.
Variant type: Deletion.
Coding change: c.1195del on transcript NM_001354604.2 (MANE Select); coding-DNA position 1195, one base deleted (G; older notation c.1195delG).
Protein change: p.Ala399fs; shifts the reading frame from alanine 399.
Molecular consequence: frameshift variant.
Genome position (GRCh38, 1-based): chr3:69,964,862, G deleted; the last of 2 consecutive G bases (chr3:69,964,861-69,964,862); deleting either gives the same sequence. VCF-style (leftmost placement, unchanged base first): chr3-69964860-AG-A. GRCh37 (hg19) VCF-style: chr3-70014011-AG-A.
Other names: c.874del, p.Ala292fs (NM_000248.4); c.1021del, p.Ala341fs (NM_001184967.2, NM_001354608.2); c.1192del, p.Ala398fs (NM_001354605.2); c.1174del, p.Ala392fs (NM_001354606.2, NM_006722.3); c.1126del, p.Ala376fs (NM_001354607.2); c.856del, p.Ala286fs (NM_198158.3); c.1177del, p.Ala393fs (NM_198159.3); c.1129del, p.Ala377fs (NM_198177.3); and 1 more; short protein forms A230fs, A286fs, A292fs, A341fs, A376fs, A377fs, A392fs, A393fs.
Identifiers: ClinVar variation 3601278 (VCV003601278.1).
Genomic context (GRCh38, chr3:69,964,860, plus strand): 5'-CTCTGTGCTCTGCCTATTTCAGTGTTTTATCTTTACTCTTATTATAGGAACTTGAAATGC[AG>A]GCTCGAGCTCATGGACTTTCCCTTATTCCATCCACGGGTCTCTGCTCTCCAGATTTGGTG-3'

ClinVar aggregate classification (germline): Likely pathogenic (1 of 4 stars; one submission).

Conditions:
Waardenburg syndrome type 2A (WS2A). Also called: WAARDENBURG SYNDROME WITHOUT DYSTOPIA CANTHORUM. Identifiers: Orphanet 3440, MedGen C1860339, MONDO:0008671, OMIM 193510.

Submission:

Institute of Rare Diseases, West China Hospital, Sichuan University
Classification: Likely pathogenic for Waardenburg syndrome type 2A. Last evaluated: 2025-01-09. Review status: criteria provided, single submitter. Criteria: ClinGen HL ACMG Specifications v1. Collection method: research. Allele origin: germline. Affected: yes.
Comment: PVS1;PM2_Supporting